The following is an entry in ClinVar:

ClinVar aggregate classification (germline): Uncertain significance (1 of 4 stars; one submission).

Conditions:
Cardiovascular phenotype. Identifiers: MedGen CN230736.

Submission:

Ambry Genetics
Classification: Uncertain significance for Cardiovascular phenotype. Last evaluated: 2025-05-19. Review status: criteria provided, single submitter. Criteria: Ambry Variant Classification Scheme 2023. Collection method: clinical testing. Allele origin: germline.
Comment: The c.5669-2delA intronic variant, located in intron 34 of the FLNC gene, results from a deletion of one nucleotide within intron 34 of the FLNC gene. Alterations that disrupt the canonical splice site are expected to result in aberrant splicing. In silico splice site analysis predicts that this alteration will weaken the native splice acceptor site and will result in the creation or strengthening of a novel splice acceptor site. A resulting transcript is predicted to be in-frame and is not expected to trigger nonsense-mediated mRNAdecay; although, direct evidence is unavailable. This nucleotide position is highly conserved in available vertebrate species. Based on the available evidence, the clinical significance of this variant remains unclear.

NM_001458.5(FLNC):c.5669-2del

Genes: FLNC (filamin C; plus strand), FLNC-AS1 (FLNC antisense RNA 1; minus strand). Cytogenetic location: 7q32.1.
Variant type: Deletion.
Coding change: c.5669-2del on transcript NM_001458.5 (MANE Select); the canonical splice acceptor site of the intron before coding-DNA position 5669, one base deleted (A; older notation c.5669-2delA).
Molecular consequence: splice acceptor variant. On other transcripts: non-coding transcript variant (1).
Genome position (GRCh38, 1-based): chr7:128,851,453, A deleted. VCF-style (leftmost placement, unchanged base first): chr7-128851452-CA-C. GRCh37 (hg19) VCF-style: chr7-128491506-CA-C.
Other names: c.5570-2del (NM_001127487.2).
Identifiers: ClinVar variation 4025632 (VCV004025632.1).